The following is an entry in ClinVar:

ClinVar aggregate classification (germline): Uncertain significance. Review status: criteria provided, multiple submitters, no conflicts (2 of 4 stars). 3 submissions from 3 submitters: Uncertain significance (3). Last evaluated 2023-02-25.

Conditions:
LZTFL1-related disorder. Also called: LZTFL1-related condition.

gnomAD v4.1: 1 of 1,609,834 alleles (0.000062%); highest among the groups gnomAD compares: Non-Finnish European, 0.000085%; no homozygotes.

Submissions (3):

PreventionGenetics, part of Exact Sciences
Classification: Uncertain significance for LZTFL1-related condition. Last evaluated: 2023-02-25. Review status: criteria provided, single submitter. Criteria: ACMG Guidelines, 2015. Collection method: clinical testing. Allele origin: germline.
Comment: The LZTFL1 c.454A>G variant is predicted to result in the amino acid substitution p.Lys152Glu. To our knowledge, this variant has not been reported in the literature or in a large population database, indicating this variant is rare. At this time, the clinical significance of this variant is uncertain due to the absence of conclusive functional and genetic evidence.

Labcorp Genetics (formerly Invitae), Labcorp
Classification: Uncertain significance. Last evaluated: 2022-10-17. Review status: criteria provided, single submitter. Criteria: Invitae Variant Classification Sherloc (09022015). Collection method: clinical testing. Allele origin: germline.
Comment: This sequence change replaces lysine, which is basic and polar, with glutamic acid, which is acidic and polar, at codon 152 of the LZTFL1 protein (p.Lys152Glu). This variant is not present in population databases (gnomAD no frequency). This variant has not been reported in the literature in individuals affected with LZTFL1-related conditions. ClinVar contains an entry for this variant (Variation ID: 1022800). Algorithms developed to predict the effect of missense changes on protein structure and function are either unavailable or do not agree on the potential impact of this missense change (SIFT: "Deleterious"; PolyPhen-2: "Benign"; Align-GVGD: "Class C15"). In summary, the available evidence is currently insufficient to determine the role of this variant in disease. Therefore, it has been classified as a Variant of Uncertain Significance.

Blueprint Genetics
Classification: Uncertain significance. Last evaluated: 2021-11-05. Review status: criteria provided, single submitter. Criteria: ACMG Guidelines, 2015. Collection method: clinical testing. Allele origin: germline.

NM_020347.4(LZTFL1):c.454A>G (p.Lys152Glu)

Gene: LZTFL1 (leucine zipper transcription factor like 1; minus strand). Cytogenetic location: 3p21.31.
Variant type: single nucleotide variant.
Coding change: c.454A>G on transcript NM_020347.4 (MANE Select); coding-DNA position 454, A replaced by G.
Protein change: p.Lys152Glu; replaces lysine 152 with glutamic acid.
Molecular consequence: missense variant. On other transcripts: non-coding transcript variant (1).
Genome position (GRCh38, 1-based): chr3:45,833,052, T>C on the plus strand (A>G on the coding strand, the complement: LZTFL1 is on the minus strand). VCF-style: chr3-45833052-T-C. GRCh37 (hg19) VCF-style: chr3-45874544-T-C.
Other names: c.403A>G, p.Lys135Glu (NM_001276378.2); c.442A>G, p.Lys148Glu (NM_001276379.2); c.454A>G (NM_020347.3); short protein forms K135E, K148E, K152E.
Identifiers: ClinVar variation 1022800 (VCV001022800.4), dbSNP rs17855512, ClinGen allele CA73637525.